The following is an entry in ClinVar:

ClinVar aggregate classification (germline): Likely benign. Review status: criteria provided, single submitter (1 of 4 stars). 2 submissions from 2 submitters: Likely benign (1). 1 of the submissions does not count toward it. Last evaluated 2024-01-09.

Conditions:
Inborn genetic diseases. Identifiers: MedGen C0950123, MeSH D030342.
BBS10-related disorder. Also called: BBS10-related condition.

Allele frequency attached by ClinVar (database versions not stated): gnomAD exomes below 0.00001; ExAC 0.00001.
gnomAD v4.1: 2 of 1,613,120 alleles (0.00012%); highest among the groups gnomAD compares: Non-Finnish European, 0.00017%; no homozygotes.

Submissions (2):

Ambry Genetics
Classification: Likely benign for Inborn genetic diseases. Last evaluated: 2024-01-09. Review status: criteria provided, single submitter. Criteria: Ambry Variant Classification Scheme 2023. Collection method: clinical testing. Allele origin: germline.

PreventionGenetics, part of Exact Sciences
Classification: Uncertain significance for BBS10-related condition. Last evaluated: 2024-05-02. Review status: no assertion criteria provided. Collection method: clinical testing. Allele origin: germline. Not counted in ClinVar's aggregate classification.
Comment: The BBS10 c.298A>G variant is predicted to result in the amino acid substitution p.Ile100Val. To our knowledge, this variant has not been reported in the literature. This variant is reported in 0.00088% of alleles in individuals of European (Non-Finnish) descent in gnomAD. At this time, the clinical significance of this variant is uncertain due to the absence of conclusive functional and genetic evidence.

NM_024685.4(BBS10):c.298A>G (p.Ile100Val)

Gene: BBS10 (Bardet-Biedl syndrome 10; minus strand). Cytogenetic location: 12q21.2.
Variant type: single nucleotide variant.
Coding change: c.298A>G on transcript NM_024685.4 (MANE Select); coding-DNA position 298, A replaced by G.
Protein change: p.Ile100Val; replaces isoleucine 100 with valine.
Molecular consequence: missense variant.
Genome position (GRCh38, 1-based): chr12:76,347,687, T>C on the plus strand (A>G on the coding strand, the complement: BBS10 is on the minus strand). VCF-style: chr12-76347687-T-C. GRCh37 (hg19) VCF-style: chr12-76741467-T-C.
Other names: short protein forms I100V.
Identifiers: ClinVar variation 3133151 (VCV003133151.2), dbSNP rs746617882, ClinGen allele CA6694372.
Genomic context (GRCh38, chr12:76,347,687, plus strand): 5'-AATGCCTTCCATGGGTTTGAATGTTTTCACACATCAAAGGATCCTTTTCTCTGTCTGTGA[T>C]TGCATGAAGTCCTCTAAGCAAATGGCAAAGAAAGATAATAAATGTTTTTGCACCATCTCC-3'
Protein context (NP_078961.3, residues 90-110): LCHLLRGLHA[Ile100Val]TDREKDPLMC